The following is an entry in ClinVar:

NM_000548.5(TSC2):c.2838-13C>T

Gene: TSC2 (TSC complex subunit 2; plus strand). Cytogenetic location: 16p13.3.
Variant type: single nucleotide variant.
Coding change: c.2838-13C>T on transcript NM_000548.5 (MANE Select); 13 bases into the intron before coding-DNA position 2838, C replaced by T.
Molecular consequence: intron variant.
Genome position (GRCh38, 1-based): chr16:2,077,585, C>T. VCF-style: chr16-2077585-C-T. GRCh37 (hg19) VCF-style: chr16-2127586-C-T.
Other names: c.1493+1000C>T (NM_001406693.1, NM_001406690.1, NM_001406692.1 and 5 more transcripts); c.2927+1000C>T (NM_001406667.1, NM_001406668.1); c.2238-13C>T (NM_001406680.1, NM_001406683.1, NM_001406682.1 and 1 more transcripts); c.2237+1000C>T (NM_001406687.1, NM_001406685.1, NM_001318831.2 and 2 more transcripts); c.1494-13C>T (NM_001406689.1); c.1235+1000C>T (NM_001406698.1); c.2838-13C>T (NM_001114382.3, NM_001406663.1, NM_001406664.1); c.2837+1000C>T (NM_021055.3, NM_001370405.1, NM_001363528.2 and 3 more transcripts); and 8 more.
Identifiers: ClinVar variation 2723038 (VCV002723038.4), dbSNP rs1419094468, ClinGen allele CA620377223.
Genomic context (GRCh38, chr16:2,077,585, plus strand): 5'-CTCCACTGGCTTGTTCTCCCCTTCCCGGGAGCTGGGCTCTCTGGGGCGTTGGGGCTCCTT[C>T]CTCACCCGATAGTCTGAGGATAGCCAGACCCCCCAAACAAGGCTTGAATAACTCTCCACC-3'

ClinVar aggregate classification (germline): Benign/Likely benign. Review status: criteria provided, multiple submitters, no conflicts (2 of 4 stars). 2 submissions from 2 submitters: Benign (1); Likely benign (1). Last evaluated 2025-09-20.

Conditions:
Tuberous sclerosis 2 (TSC2). Identifiers: Orphanet 805, MedGen C1860707, MONDO:0013199, OMIM 613254.

Allele frequency attached by ClinVar (database versions not stated): TOPMed below 0.00001; gnomAD exomes 0.00001.
gnomAD v4.1: 11 of 1,612,736 alleles (0.00068%); highest among the groups gnomAD compares: Non-Finnish European, 0.00093%; no homozygotes.

Submissions (2):

Labcorp Genetics (formerly Invitae), Labcorp
Classification: Likely benign for Tuberous sclerosis 2. Last evaluated: 2025-09-20. Review status: criteria provided, single submitter. Criteria: Invitae Variant Classification Sherloc (09022015). Collection method: clinical testing. Allele origin: germline.

Myriad Genetics, Inc.
Classification: Benign for Tuberous sclerosis 2. Last evaluated: 2024-09-09. Review status: criteria provided, single submitter. Criteria: Myriad Autosomal Dominant, Autosomal Recessive and X-Linked Classification Criteria (2023). Collection method: clinical testing. Allele origin: unknown.
Comment: This variant is considered benign. This variant is intronic and is not expected to impact mRNA splicing. This variant has been observed at a population frequency that is significantly greater than expected given the associated disease prevalence and penetrance.